The following is an entry in ClinVar:

NM_003922.4(HERC1):c.12759T>C (p.Ala4253=)

Gene: HERC1 (HECT and RLD domain containing E3 ubiquitin protein ligase family member 1; minus strand). Cytogenetic location: 15q22.31.
Variant type: single nucleotide variant.
Coding change: c.12759T>C on transcript NM_003922.4 (MANE Select); coding-DNA position 12759, T replaced by C.
Protein change: p.Ala4253=; no amino-acid change (alanine 4253 retained).
Molecular consequence: synonymous variant.
Genome position (GRCh38, 1-based): chr15:63,632,746, A>G on the plus strand (T>C on the coding strand, the complement: HERC1 is on the minus strand). VCF-style: chr15-63632746-A-G. GRCh37 (hg19) VCF-style: chr15-63924945-A-G.
Identifiers: ClinVar variation 4874142 (VCV004874142.2).

ClinVar aggregate classification (germline): Likely benign (1 of 4 stars; one submission).

Submission:

CeGaT Center for Human Genetics Tuebingen
Classification: Likely benign. Last evaluated: 2026-05-01. Review status: criteria provided, single submitter. Criteria: CeGaT Center For Human Genetics Tuebingen Variant Classification Criteria Version 2. Collection method: clinical testing. Allele origin: germline. Affected: yes. Observed: 1 variant allele.
Comment: HERC1: PM2:Supporting, BP4, BP7